The following is an entry in ClinVar:

ClinVar aggregate classification (germline): Conflicting classifications of pathogenicity. Review status: criteria provided, conflicting classifications (1 of 4 stars). 5 submissions from 5 submitters: Uncertain significance (3); Likely benign (2). Last evaluated 2025-11-06.

Conditions:
Myofibrillar myopathy 5. Also called: FILAMINOPATHY, AUTOSOMAL DOMINANT; Filaminopathy (type). Identifiers: Orphanet 171445, MedGen C1836050, MONDO:0012289, OMIM 609524.
Distal myopathy with posterior leg and anterior hand involvement. Also called: WILLIAMS DISTAL MYOPATHY. Identifiers: Orphanet 63273, MedGen C3279722, MONDO:0013550, OMIM 614065.
Hypertrophic cardiomyopathy 26. Also called: Cardiomyopathy, familial hypertrophic, 26. Identifiers: Orphanet 75249, MedGen C4310749, MONDO:0014883, OMIM 617047.
Cardiovascular phenotype. Identifiers: MedGen CN230736.

Allele frequency attached by ClinVar (database versions not stated): TOPMed 0.00002; gnomAD 0.00003; gnomAD exomes 0.00003 and 0.00004; ExAC 0.00005; ESP Exome Variant Server 0.00008.
gnomAD v4.1: 69 of 1,613,038 alleles (0.0043%); highest among the groups gnomAD compares: Non-Finnish European, 0.0053%; no homozygotes.

Submissions (5):

Labcorp Genetics (formerly Invitae), Labcorp
Classification: Uncertain significance for Distal myopathy with posterior leg and anterior hand involvement; Myofibrillar myopathy 5; Hypertrophic cardiomyopathy 26. Last evaluated: 2025-11-06. Review status: criteria provided, single submitter. Criteria: Invitae Variant Classification Sherloc (09022015). Collection method: clinical testing. Allele origin: germline.
Comment: This sequence change replaces glycine, which is neutral and non-polar, with arginine, which is basic and polar, at codon 2199 of the FLNC protein (p.Gly2199Arg). This variant is present in population databases (rs368977589, gnomAD 0.006%). This missense change has been observed in individual(s) with hypertrophic cardiomyopathy and/or myofibrillar myopathy (PMID: 25208129, 39554508). ClinVar contains an entry for this variant (Variation ID: 472138). An algorithm developed to predict the effect of missense changes on protein structure and function (PolyPhen-2) suggests that this variant is likely to be tolerated. In summary, the available evidence is currently insufficient to determine the role of this variant in disease. Therefore, it has been classified as a Variant of Uncertain Significance.

Ambry Genetics
Classification: Uncertain significance for Cardiovascular phenotype. Last evaluated: 2024-08-12. Review status: criteria provided, single submitter. Criteria: Ambry Variant Classification Scheme 2023. Collection method: clinical testing. Allele origin: germline.
Comment: The p.G2199R variant (also known as c.6595G>A), located in coding exon 40 of the FLNC gene, results from a G to A substitution at nucleotide position 6595. The glycine at codon 2199 is replaced by arginine, an amino acid with dissimilar properties. This variant was reported in one individual from a myofibrillar myopathy cohort; however, clinical details were limited (Semmler AL et al. Orphanet J Rare Dis, 2014 Aug;9:121). This amino acid position is highly conserved in available vertebrate species. In addition, this alteration is predicted to be deleterious by in silico analysis. Based on the available evidence, the clinical significance of this variant remains unclear.

Blueprint Genetics
Classification: Likely benign. Last evaluated: 2023-12-28. Review status: criteria provided, single submitter. Criteria: ACMG Guidelines, 2015. Collection method: clinical testing. Allele origin: germline.

Victorian Clinical Genetics Services, Murdoch Childrens Research Institute
Classification: Uncertain significance for Hypertrophic cardiomyopathy 26. Last evaluated: 2022-02-02. Review status: criteria provided, single submitter. Criteria: ACMG Guidelines, 2015. Collection method: clinical testing. Allele origin: germline. Inheritance: Autosomal dominant inheritance. Affected: yes.
Comment: Based on the classification scheme VCGS_Germline_v1.3.4, this variant is classified as VUS-3B. Following criteria are met: 0103 - Loss of function and gain of function are known mechanisms of disease in this gene. Loss of function is the established mechanism of disease for variants in dilated cardiomyopathy, hypertrophic cardiomyopathy, restrictive cardiomyopathy (MIM#617047) and myofibrillar myopathy (MIM#609524). In distal myopathy (MIM#614065), NMD-predicted variants cause a loss of function, however missense variants have been shown to result in a toxic gain of function (PMID: 32112656). (I) 0107 - This gene is associated with autosomal dominant disease. (I) 0200 - Variant is predicted to result in a missense amino acid change from glycine to arginine. (I) 0251 - This variant is heterozygous. (I) 0302 - Variant is present in gnomAD (v2) <0.001 for a dominant condition (9 heterozygotes, 0 homozygotes). (SP) 0501 - Missense variant consistently predicted to be damaging by multiple in silico tools or highly conserved with a major amino acid change. (SP) 0604 - Variant is not located in an established domain, motif, hotspot or informative constraint region. (I) 0705 - No comparable missense variants have previous evidence for pathogenicity. (I) 0808 - Previous reports of pathogenicity for this variant are conflicting. This variant has been reported as likely benign and as a VUS, and observed in a single individual with myofibrillar myopathy (ClinVar, PMID: 25208129). (I) 0905 - No published segregation evidence has been identified for this variant. (I) 1007 - No published functional evidence has been identified for this variant. (I) 1208 - Inheritance information for this variant is not currently available in this individual. (I) Legend: (SP) - Supporting pathogenic, (I) - Information, (SB) - Supporting benign

GeneDx
Classification: Likely benign. Last evaluated: 2020-12-04. Review status: criteria provided, single submitter. Criteria: GeneDx Variant Classification Process June 2021. Collection method: clinical testing. Allele origin: germline. Affected: yes.
Comment: This variant is associated with the following publications: (PMID: 25208129)

Literature cited by the submitters: PubMed 25208129 (cited by 3 submitters); PubMed 39554508 (cited by Labcorp Genetics (formerly Invitae), Labcorp); PubMed 32112656 (cited by Victorian Clinical Genetics Services, Murdoch Childrens Research Institute).

NM_001458.5(FLNC):c.6595G>A (p.Gly2199Arg)

Genes: FLNC (filamin C; plus strand), FLNC-AS1 (FLNC antisense RNA 1; minus strand). Cytogenetic location: 7q32.1.
Variant type: single nucleotide variant.
Coding change: c.6595G>A on transcript NM_001458.5 (MANE Select); coding-DNA position 6595, G replaced by A.
Protein change: p.Gly2199Arg; replaces glycine 2199 with arginine.
Molecular consequence: missense variant.
Genome position (GRCh38, 1-based): chr7:128,854,084, G>A. VCF-style: chr7-128854084-G-A. GRCh37 (hg19) VCF-style: chr7-128494138-G-A.
Other names: c.6496G>A, p.Gly2166Arg (NM_001127487.2); short protein forms G2199R, G2166R.
Identifiers: ClinVar variation 472138 (VCV000472138.17), dbSNP rs368977589, ClinGen allele CA4476027.